The following is an entry in ClinVar:

ClinVar aggregate classification (germline): Uncertain significance (1 of 4 stars; one submission).

gnomAD v4.1: 1 of 1,613,924 alleles (0.000062%); highest among the groups gnomAD compares: South Asian, 0.0011%; no homozygotes.

Submission:

Labcorp Genetics (formerly Invitae), Labcorp
Classification: Uncertain significance. Last evaluated: 2025-08-31. Review status: criteria provided, single submitter. Criteria: Invitae Variant Classification Sherloc (09022015). Collection method: clinical testing. Allele origin: germline.
Comment: This sequence change replaces tryptophan, which is neutral and slightly polar, with cysteine, which is neutral and slightly polar, at codon 616 of the ADGRE2 protein (p.Trp616Cys). This variant is not present in population databases (gnomAD no frequency). This variant has not been reported in the literature in individuals affected with ADGRE2-related conditions. An algorithm developed to predict the effect of missense changes on protein structure and function (PolyPhen-2) suggests that this variant is likely to be disruptive. In summary, the available evidence is currently insufficient to determine the role of this variant in disease. Therefore, it has been classified as a Variant of Uncertain Significance.

NM_013447.4(ADGRE2):c.1848G>T (p.Trp616Cys)

Gene: ADGRE2 (adhesion G protein-coupled receptor E2; minus strand). Cytogenetic location: 19p13.12.
Variant type: single nucleotide variant.
Coding change: c.1848G>T on transcript NM_013447.4 (MANE Select); coding-DNA position 1848, G replaced by T.
Protein change: p.Trp616Cys; replaces tryptophan 616 with cysteine.
Molecular consequence: missense variant.
Genome position (GRCh38, 1-based): chr19:14,751,612, C>A on the plus strand (G>T on the coding strand, the complement: ADGRE2 is on the minus strand). VCF-style: chr19-14751612-C-A. GRCh37 (hg19) VCF-style: chr19-14862424-C-A.
Other names: c.1674G>T, p.Trp558Cys (NM_001271052.1); c.1701G>T, p.Trp567Cys (NM_152916.2); c.1569G>T, p.Trp523Cys (NM_152917.2); short protein forms W567C, W523C, W558C, W616C.
Identifiers: ClinVar variation 4777948 (VCV004777948.1).